The following is an entry in ClinVar:

NM_199355.4(ADAMTS18):c.852A>T (p.Arg284Ser)

Gene: ADAMTS18 (ADAM metallopeptidase with thrombospondin type 1 motif 18; minus strand). Cytogenetic location: 16q23.1.
Variant type: single nucleotide variant.
Coding change: c.852A>T on transcript NM_199355.4 (MANE Select); coding-DNA position 852, A replaced by T.
Protein change: p.Arg284Ser; replaces arginine 284 with serine.
Molecular consequence: missense variant.
Genome position (GRCh38, 1-based): chr16:77,364,308, T>A on the plus strand (A>T on the coding strand, the complement: ADAMTS18 is on the minus strand). VCF-style: chr16-77364308-T-A. GRCh37 (hg19) VCF-style: chr16-77398205-T-A.
Other names: c.336A>T, p.Arg112Ser (NM_001326358.2); short protein forms R284S, R112S.
Identifiers: ClinVar variation 1479973 (VCV001479973.6), dbSNP rs2144736998, ClinGen allele CA396836853.

ClinVar aggregate classification (germline): Uncertain significance (1 of 4 stars; one submission).

Allele frequency attached by ClinVar (database versions not stated): gnomAD exomes below 0.00001.
gnomAD v4.1: 1 of 1,613,978 alleles (0.000062%); highest among the groups gnomAD compares: Admixed American, 0.0017%; no homozygotes.

Submission:

Labcorp Genetics (formerly Invitae), Labcorp
Classification: Uncertain significance. Last evaluated: 2024-02-24. Review status: criteria provided, single submitter. Criteria: Invitae Variant Classification Sherloc (09022015). Collection method: clinical testing. Allele origin: germline.
Comment: This sequence change replaces arginine with serine at codon 284 of the ADAMTS18 protein (p.Arg284Ser). The arginine residue is highly conserved and there is a moderate physicochemical difference between arginine and serine. This variant is not present in population databases (gnomAD no frequency). This variant has not been reported in the literature in individuals affected with ADAMTS18-related conditions. ClinVar contains an entry for this variant (Variation ID: 1479973). An algorithm developed to predict the effect of missense changes on protein structure and function (PolyPhen-2) suggests that this variant is likely to be disruptive. In summary, the available evidence is currently insufficient to determine the role of this variant in disease. Therefore, it has been classified as a Variant of Uncertain Significance.